The following is an entry in ClinVar:

NM_001378964.1(CDON):c.1467T>A (p.Ala489=)

Gene: CDON (cell adhesion associated, oncogene regulated; minus strand). Cytogenetic location: 11q24.2.
Variant type: single nucleotide variant.
Coding change: c.1467T>A on transcript NM_001378964.1 (MANE Select); coding-DNA position 1467, T replaced by A.
Protein change: p.Ala489=; no amino-acid change (alanine 489 retained).
Molecular consequence: synonymous variant.
Genome position (GRCh38, 1-based): chr11:126,010,426, A>T on the plus strand (T>A on the coding strand, the complement: CDON is on the minus strand). VCF-style: chr11-126010426-A-T. GRCh37 (hg19) VCF-style: chr11-125880321-A-T.
Other names: c.1467T>A, p.Ala489= (NM_001243597.3, NM_016952.6).
Identifiers: ClinVar variation 3250787 (VCV003250787.18), dbSNP rs1372680069.

ClinVar aggregate classification (germline): Likely benign (1 of 4 stars; one submission).

Allele frequency attached by ClinVar (database versions not stated): gnomAD exomes below 0.00001.
gnomAD v4.1: 2 of 1,614,164 alleles (0.00012%); highest among the groups gnomAD compares: Non-Finnish European, 0.00017%; no homozygotes.

Submission:

CeGaT Center for Human Genetics Tuebingen
Classification: Likely benign. Last evaluated: 2024-06-01. Review status: criteria provided, single submitter. Criteria: CeGaT Center For Human Genetics Tuebingen Variant Classification Criteria Version 2. Collection method: clinical testing. Allele origin: germline. Affected: yes. Observed: 1 variant allele.
Comment: CDON: BP4, BP7